The following is an entry in ClinVar:

NM_005612.5(REST):c.1370T>C (p.Val457Ala)

Gene: REST (RE1 silencing transcription factor; plus strand). Cytogenetic location: 4q12.
Variant type: single nucleotide variant.
Coding change: c.1370T>C on transcript NM_005612.5 (MANE Select); coding-DNA position 1370, T replaced by C.
Protein change: p.Val457Ala; replaces valine 457 with alanine.
Molecular consequence: missense variant.
Genome position (GRCh38, 1-based): chr4:56,930,228, T>C. VCF-style: chr4-56930228-T-C. GRCh37 (hg19) VCF-style: chr4-57796394-T-C.
Other names: c.1370T>C, p.Val457Ala (NM_001193508.2, NM_001363453.3); short protein forms V457A.
Identifiers: ClinVar variation 1515915 (VCV001515915.8), dbSNP rs2109573430, ClinGen allele CA357006464.
Genomic context (GRCh38, chr4:56,930,228, plus strand): 5'-TGCCTGATAATATTACCAATGAAAAAACAGAAATAGAACAAACAAAAATAAAAGGGGATG[T>C]GGCTGGAAAGAAAAATGAAAAGTCCGTCAAAGCAGAGAAAAGAGATGTCTCAAAAGAGAA-3'
Protein context (NP_005603.3, residues 447-467): EIEQTKIKGD[Val457Ala]AGKKNEKSVK

ClinVar aggregate classification (germline): Uncertain significance (1 of 4 stars; one submission).

Allele frequency attached by ClinVar (database versions not stated): gnomAD exomes below 0.00001.
gnomAD v4.1: 2 of 1,607,168 alleles (0.00012%); highest among the groups gnomAD compares: Non-Finnish European, 0.00017%; no homozygotes.

Submission:

Labcorp Genetics (formerly Invitae), Labcorp
Classification: Uncertain significance. Last evaluated: 2021-03-11. Review status: criteria provided, single submitter. Criteria: Invitae Variant Classification Sherloc (09022015). Collection method: clinical testing. Allele origin: germline.
Comment: This sequence change replaces valine with alanine at codon 457 of the REST protein (p.Val457Ala). The valine residue is moderately conserved and there is a small physicochemical difference between valine and alanine. This variant is not present in population databases (ExAC no frequency). This variant has not been reported in the literature in individuals with REST-related conditions. Algorithms developed to predict the effect of missense changes on protein structure and function output the following: SIFT: "Tolerated"; PolyPhen-2: "Benign"; Align-GVGD: "Class C0". The alanine amino acid residue is found in multiple mammalian species, suggesting that this missense change does not adversely affect protein function. These predictions have not been confirmed by published functional studies and their clinical significance is uncertain. In summary, the available evidence is currently insufficient to determine the role of this variant in disease. Therefore, it has been classified as a Variant of Uncertain Significance.